The following is an entry in ClinVar:

NM_000069.3(CACNA1S):c.3766C>T (p.Leu1256Phe)

Gene: CACNA1S (calcium voltage-gated channel subunit alpha1 S; minus strand). Cytogenetic location: 1q32.1.
Variant type: single nucleotide variant.
Coding change: c.3766C>T on transcript NM_000069.3 (MANE Select); coding-DNA position 3766, C replaced by T.
Protein change: p.Leu1256Phe; replaces leucine 1256 with phenylalanine.
Molecular consequence: missense variant.
Genome position (GRCh38, 1-based): chr1:201,053,488, G>A on the plus strand (C>T on the coding strand, the complement: CACNA1S is on the minus strand). VCF-style: chr1-201053488-G-A. GRCh37 (hg19) VCF-style: chr1-201022616-G-A.
Other names: c.3766C>T (NM_000069.2); short protein forms L1256F.
Identifiers: ClinVar variation 2135804 (VCV002135804.5), dbSNP rs2464460498, ClinGen allele CA344154355.

ClinVar aggregate classification (germline): Uncertain significance. Review status: criteria provided, multiple submitters, no conflicts (2 of 4 stars). 2 submissions from 2 submitters: Uncertain significance (2). Last evaluated 2026-03-12.

Conditions:
Inborn genetic diseases. Identifiers: MedGen C0950123, MeSH D030342.
Hypokalemic periodic paralysis, type 1. Also called: HypoPP; Hypokalemic Periodic Paralysis Type 1 (AD). Identifiers: Orphanet 681, MedGen C3714580, MONDO:0042979, OMIM 170400.
Malignant hyperthermia, susceptibility to, 5 (MHS5). Also called: CACNA1S-Related Malignant Hyperthermia Susceptibility. Identifiers: Orphanet 423, MedGen C1866077, MONDO:0011163, OMIM 601887.

Submissions (2):

Ambry Genetics
Classification: Uncertain significance for Inborn genetic diseases. Last evaluated: 2026-03-12. Review status: criteria provided, single submitter. Criteria: Ambry Variant Classification Scheme 2023. Collection method: clinical testing. Allele origin: germline.

Labcorp Genetics (formerly Invitae), Labcorp
Classification: Uncertain significance for Hypokalemic periodic paralysis, type 1; Malignant hyperthermia, susceptibility to, 5. Last evaluated: 2024-08-13. Review status: criteria provided, single submitter. Criteria: Invitae Variant Classification Sherloc (09022015). Collection method: clinical testing. Allele origin: germline.
Comment: This sequence change replaces leucine, which is neutral and non-polar, with phenylalanine, which is neutral and non-polar, at codon 1256 of the CACNA1S protein (p.Leu1256Phe). This variant is not present in population databases (gnomAD no frequency). This variant has not been reported in the literature in individuals affected with CACNA1S-related conditions. ClinVar contains an entry for this variant (Variation ID: 2135804). Advanced modeling of protein sequence and biophysical properties (such as structural, functional, and spatial information, amino acid conservation, physicochemical variation, residue mobility, and thermodynamic stability) performed at Invitae indicates that this missense variant is expected to disrupt CACNA1S protein function with a positive predictive value of 80%. In summary, the available evidence is currently insufficient to determine the role of this variant in disease. Therefore, it has been classified as a Variant of Uncertain Significance.